The following is an entry in ClinVar:

NM_016247.4(IMPG2):c.2584G>T (p.Val862Phe)

Gene: IMPG2 (interphotoreceptor matrix proteoglycan 2; minus strand). Cytogenetic location: 3q12.3.
Variant type: single nucleotide variant.
Coding change: c.2584G>T on transcript NM_016247.4 (MANE Select); coding-DNA position 2584, G replaced by T.
Protein change: p.Val862Phe; replaces valine 862 with phenylalanine.
Molecular consequence: missense variant.
Genome position (GRCh38, 1-based): chr3:101,243,747, C>A on the plus strand (G>T on the coding strand, the complement: IMPG2 is on the minus strand). VCF-style: chr3-101243747-C-A. GRCh37 (hg19) VCF-style: chr3-100962591-C-A.
Other names: short protein forms V862F.
Identifiers: ClinVar variation 1043179 (VCV001043179.9), dbSNP rs1355961678, ClinGen allele CA353856485.

ClinVar aggregate classification (germline): Uncertain significance (1 of 4 stars; one submission).

Allele frequency attached by ClinVar (database versions not stated): gnomAD 0.00001.
gnomAD v4.1: 2 of 1,613,660 alleles (0.00012%); highest among the groups gnomAD compares: Non-Finnish European, 0.00017%; no homozygotes.

Submission:

Labcorp Genetics (formerly Invitae), Labcorp
Classification: Uncertain significance. Last evaluated: 2020-02-21. Review status: criteria provided, single submitter. Criteria: Invitae Variant Classification Sherloc (09022015). Collection method: clinical testing. Allele origin: germline.
Comment: Algorithms developed to predict the effect of missense changes on protein structure and function are either unavailable or do not agree on the potential impact of this missense change (SIFT: "Deleterious"; PolyPhen-2: "Possibly Damaging"; Align-GVGD: "Class C0"). In summary, the available evidence is currently insufficient to determine the role of this variant in disease. Therefore, it has been classified as a Variant of Uncertain Significance. This variant has not been reported in the literature in individuals with IMPG2-related conditions. This sequence change replaces valine with phenylalanine at codon 862 of the IMPG2 protein (p.Val862Phe). The valine residue is moderately conserved and there is a small physicochemical difference between valine and phenylalanine. This variant is not present in population databases (ExAC no frequency).